The following is an entry in ClinVar:

NM_001904.4(CTNNB1):c.134C>A (p.Ser45Tyr)

Genes: CTNNB1 (catenin beta 1; plus strand), LOC126806658 (BRD4-independent group 4 enhancer GRCh37_chr3:41265899-41267098; plus strand). Cytogenetic location: 3p22.1.
Variant type: single nucleotide variant.
Coding change: c.134C>A on transcript NM_001904.4 (MANE Select); coding-DNA position 134, C replaced by A.
Protein change: p.Ser45Tyr; replaces serine 45 with tyrosine.
Molecular consequence: missense variant.
Genome position (GRCh38, 1-based): chr3:41,224,646, C>A. VCF-style: chr3-41224646-C-A. GRCh37 (hg19) VCF-style: chr3-41266137-C-A.
Other names: c.134C>A, p.Ser45Tyr (NM_001098209.2, NM_001098210.2); c.113C>A, p.Ser38Tyr (NM_001330729.2); short protein forms S45Y, S38Y.
Identifiers: ClinVar variation 4530134 (VCV004530134.1), dbSNP rs121913409.
Genomic context (GRCh38, chr3:41,224,646, plus strand): 5'-GGCAGCAACAGTCTTACCTGGACTCTGGAATCCATTCTGGTGCCACTACCACAGCTCCTT[C>A]TCTGAGTGGTAAAGGCAATCCTGAGGAAGAGGATGTGGATACCTCCCAAGTCCTGTATGA-3'
Protein context (NP_001895.1, residues 35-55): IHSGATTTAP[Ser45Tyr]LSGKGNPEEE

ClinVar aggregate classification (somatic clinical impact): Tier I - Strong (1 of 4 stars; one submission).

Conditions:
Rhabdomyosarcoma. Also called: Rhabdomyosarcoma (disease). Identifiers: Orphanet 780, MedGen C0035412, MeSH D012208, MONDO:0005212, HP:0002859.

Submission:

Institute for Genomic Medicine (IGM) Clinical Laboratory, Nationwide Children's Hospital
Classification: Tier I - Strong for Rhabdomyosarcoma. Assertion type: diagnostic. Clinical significance: supports diagnosis. Last evaluated: 2023-08-14. Review status: criteria provided, single submitter. Criteria: AMP/ASCO/CAP Guidelines, 2017. Collection method: clinical testing. Allele origin: somatic. Affected: yes.
Comment: Variant has Tier I (strong) clinical significance as a diagnostic inclusion criterion in rhabdomyosarcoma, based on the following evidence: 1) Documented in one or more cancer databases (e.g., St. Jude Pecan, COSMIC, CIViC, OncoKB). 2) Appears in one or more well-established professional guidelines (e.g., World Health Organization [WHO]; National Comprehensive Cancer Network [NCCN]) as providing diagnostic, prognostic, or therapeutic information. 3) Information in the literature supports potential biologic effect of variant (PMIDs: 9419974, 29435196, 11955436, 12000790). 4) Diagnostic for a specific tumor type/classification based on well-powered studies with expert-level consensus (Evidence Level B; PMIDs: 30617281, 34166060, 24436047, 24332040, 22142829).

Literature cited by the submitters: PubMed 9419974; PubMed 29435196; PubMed 11955436; PubMed 12000790; PubMed 30617281; PubMed 34166060; PubMed 24436047; PubMed 24332040; PubMed 22142829.